The following is an entry in ClinVar:

NM_001378454.1(ALMS1):c.901A>G (p.Ile301Val)

Gene: ALMS1 (ALMS1 centrosome and basal body associated protein; plus strand). Cytogenetic location: 2p13.1.
Variant type: single nucleotide variant.
Coding change: c.901A>G on transcript NM_001378454.1 (MANE Select); coding-DNA position 901, A replaced by G.
Protein change: p.Ile301Val; replaces isoleucine 301 with valine.
Molecular consequence: missense variant.
Genome position (GRCh38, 1-based): chr2:73,424,566, A>G. VCF-style: chr2-73424566-A-G. GRCh37 (hg19) VCF-style: chr2-73651694-A-G.
Other names: c.904A>G, p.Ile302Val (NM_015120.4); short protein forms I302V, I301V.
Identifiers: ClinVar variation 1449292 (VCV001449292.7), dbSNP rs534913971, ClinGen allele CA347260817.

ClinVar aggregate classification (germline): Uncertain significance (1 of 4 stars; one submission).

Conditions:
Alstrom syndrome (ALMS). Identifiers: Orphanet 64, MedGen C0268425, MONDO:0008763, OMIM 203800.

gnomAD v4.1: 2 of 1,614,026 alleles (0.00012%); highest among the groups gnomAD compares: Non-Finnish European, 0.000085%; no homozygotes.

Submission:

Labcorp Genetics (formerly Invitae), Labcorp
Classification: Uncertain significance for Alstrom syndrome. Last evaluated: 2022-05-14. Review status: criteria provided, single submitter. Criteria: Invitae Variant Classification Sherloc (09022015). Collection method: clinical testing. Allele origin: germline.
Comment: In summary, the available evidence is currently insufficient to determine the role of this variant in disease. Therefore, it has been classified as a Variant of Uncertain Significance. Experimental studies and prediction algorithms are not available or were not evaluated, and the functional significance of this variant is currently unknown. This variant has not been reported in the literature in individuals affected with ALMS1-related conditions. This variant is not present in population databases (gnomAD no frequency). This sequence change replaces isoleucine, which is neutral and non-polar, with valine, which is neutral and non-polar, at codon 302 of the ALMS1 protein (p.Ile302Val).